The following is an entry in ClinVar:

NM_001032283.3(TMPO):c.565+1725T>A

Gene: TMPO (thymopoietin; plus strand). Cytogenetic location: 12q23.1.
Variant type: single nucleotide variant.
Coding change: c.565+1725T>A on transcript NM_001032283.3 (MANE Select); 1725 bases into the intron after coding-DNA position 565, T replaced by A.
Molecular consequence: intron variant. On other transcripts: missense variant (1).
Genome position (GRCh38, 1-based): chr12:98,533,563, T>A. VCF-style: chr12-98533563-T-A. GRCh37 (hg19) VCF-style: chr12-98927341-T-A.
Other names: c.1306T>A, p.Ser436Thr (NM_003276.2); c.565+1725T>A (NM_001307975.2, NM_001032284.3); short protein forms S436T.
Identifiers: ClinVar variation 2697046 (VCV002697046.3), dbSNP rs2548503953, ClinGen allele CA386152911.

ClinVar aggregate classification (germline): Uncertain significance (1 of 4 stars; one submission).

Conditions:
Loeys-Dietz syndrome 2 (LDS2). Also called: TGFBR2-Related Loeys-Dietz Syndrome; Marfan Syndrome type 2; Marfan like connective tissue disorder; MFS 2; Marfan syndrome, type 2 (formerly); AORTIC ANEURYSM, FAMILIAL THORACIC 3. Identifiers: Orphanet 284973, Orphanet 558, MedGen C2674574, MONDO:0012427, OMIM 610168.

Submission:

Labcorp Genetics (formerly Invitae), Labcorp
Classification: Uncertain significance for Loeys-Dietz syndrome 2. Last evaluated: 2023-11-27. Review status: criteria provided, single submitter. Criteria: Invitae Variant Classification Sherloc (09022015). Collection method: clinical testing. Allele origin: germline.
Comment: This sequence change replaces serine, which is neutral and polar, with threonine, which is neutral and polar, at codon 436 of the TMPO protein (p.Ser436Thr). This variant is not present in population databases (gnomAD no frequency). This variant has not been reported in the literature in individuals affected with TMPO-related conditions. Advanced modeling of protein sequence and biophysical properties (such as structural, functional, and spatial information, amino acid conservation, physicochemical variation, residue mobility, and thermodynamic stability) performed at Invitae indicates that this missense variant is not expected to disrupt TMPO protein function with a negative predictive value of 80%. In summary, the available evidence is currently insufficient to determine the role of this variant in disease. Therefore, it has been classified as a Variant of Uncertain Significance.